The following is an entry in ClinVar:

NM_000092.5(COL4A4):c.1222_1235del (p.Gly408fs)

Gene: COL4A4 (collagen type IV alpha 4 chain; minus strand). Cytogenetic location: 2q36.3.
Variant type: Deletion.
Coding change: c.1222_1235del on transcript NM_000092.5 (MANE Select); coding-DNA positions 1222 to 1235, 14 bases deleted (GGGCCACAAGGATT).
Protein change: p.Gly408fs; shifts the reading frame from glycine 408.
Molecular consequence: frameshift variant.
Genome position (GRCh38, 1-based): chr2:227,094,259-227,094,272, AATCCTTGTGGCCC deleted on the plus strand (GGGCCACAAGGATT on the coding strand, the reverse complement: COL4A4 is on the minus strand); deleting any 14 consecutive bases within chr2:227,094,259-227,094,273 gives the same sequence; the c. name uses the placement nearest the transcript's 3' end. VCF-style (leftmost placement, unchanged base first): chr2-227094258-AAATCCTTGTGGCCC-A. GRCh37 (hg19) VCF-style: chr2-227958974-AAATCCTTGTGGCCC-A.
Other names: short protein forms G408fs.
Identifiers: ClinVar variation 1382141 (VCV001382141.8), dbSNP rs2150687684, ClinGen allele CA2573135433.

ClinVar aggregate classification (germline): Pathogenic/Likely pathogenic. Review status: criteria provided, multiple submitters, no conflicts (2 of 4 stars). 2 submissions from 2 submitters: Pathogenic (1); Likely pathogenic (1). Last evaluated 2022-08-16.

Conditions:
Autosomal recessive Alport syndrome (ATS2). Also called: ALPORT SYNDROME 2, AUTOSOMAL RECESSIVE; COL4A4 Alport Syndrome and Thin Basement Membrane Nephropathy; COL4A3-Related Nephropathy; Alport syndrome type 2. Identifiers: Orphanet 63, Orphanet 88919, MedGen C4746745, MONDO:0008762, OMIM 203780.

Submissions (2):

Labcorp Genetics (formerly Invitae), Labcorp
Classification: Pathogenic. Last evaluated: 2022-08-16. Review status: criteria provided, single submitter. Criteria: Invitae Variant Classification Sherloc (09022015). Collection method: clinical testing. Allele origin: germline.
Comment: For these reasons, this variant has been classified as Pathogenic. ClinVar contains an entry for this variant (Variation ID: 1382141). This sequence change creates a premature translational stop signal (p.Gly408Serfs*17) in the COL4A4 gene. It is expected to result in an absent or disrupted protein product. Loss-of-function variants in COL4A4 are known to be pathogenic (PMID: 21196518, 24854265, 25307543). This variant is not present in population databases (gnomAD no frequency). This variant has not been reported in the literature in individuals affected with COL4A4-related conditions.

Myriad Genetics, Inc.
Classification: Likely pathogenic for Autosomal recessive Alport syndrome. Last evaluated: 2022-04-26. Review status: criteria provided, single submitter. Criteria: Myriad Women's Health Autosomal Recessive and X-Linked Classification Criteria (2021). Collection method: clinical testing. Allele origin: unknown.
Comment: NM_000092.4(COL4A4):c.1222_1235del14(G408Sfs*17) is expected to be pathogenic in the context of COL4A4-related Alport syndrome. This variant is predicted to lead to an abnormal or absent protein product due to the creation of a premature termination codon in COL4A4, a gene where loss-of-function variants are known to be pathogenic. Please note: this variant was assessed in the context of healthy population screening.

Literature cited by the submitters: PubMed 21196518 (cited by Labcorp Genetics (formerly Invitae), Labcorp); PubMed 24854265 (cited by Labcorp Genetics (formerly Invitae), Labcorp); PubMed 25307543 (cited by Labcorp Genetics (formerly Invitae), Labcorp).